The following is an entry in ClinVar:

NM_000179.3(MSH6):c.4002-12_4002-10dup

Gene: MSH6 (mutS homolog 6; plus strand). Cytogenetic location: 2p16.3.
Variant type: Duplication.
Coding change: c.4002-12_4002-10dup on transcript NM_000179.3 (MANE Select); 12 bases into the intron before coding-DNA position 4002 through 10 bases into the intron before coding-DNA position 4002, 3 bases duplicated (TTT; older notation c.4002-12_4002-10dupTTT).
Molecular consequence: intron variant.
Genome position (GRCh38, 1-based): chr2:47,806,767-47,806,769, TTT duplicated; duplicating any 3 consecutive bases within chr2:47,806,752-47,806,769 gives the same sequence; the c. name uses the placement nearest the transcript's 3' end. VCF-style (leftmost placement, unchanged base first): chr2-47806751-C-CTTT. GRCh37 (hg19) VCF-style: chr2-48033890-C-CTTT.
Other names: c.3096-12_3096-10dup (NM_001281493.2, NM_001281494.2); c.3612-12_3612-10dup (NM_001281492.2); c.4002-12_4002-10dupTTT (NM_000179.3).
Identifiers: ClinVar variation 89511 (VCV000089511.16), dbSNP rs59056100, ClinGen allele CA330590.

ClinVar aggregate classification (germline): Benign. Review status: reviewed by expert panel (3 of 4 stars). 6 submissions from 6 submitters: Benign (1). 5 of the submissions do not count toward it. Last evaluated 2013-09-05.

Conditions:
Lynch syndrome. Identifiers: Orphanet 144, MedGen C4552100, MONDO:0005835. Disease mechanism: loss of function.
Lynch syndrome 5 (LYNCH5). Also called: Colorectal cancer, hereditary nonpolyposis, type 5; Hereditary non-polyposis colorectal cancer, type 5. Identifiers: Orphanet 144, MedGen C1833477, MONDO:0013710, OMIM 614350. Disease mechanism: loss of function.

Submissions (6):

International Society for Gastrointestinal Hereditary Tumours (InSiGHT)
Classification: Benign for Lynch Syndrome. Last evaluated: 2013-09-05. Review status: reviewed by expert panel. Criteria: Guidelines v1.9. Collection method: research. Allele origin: germline.
Comment: MAF >1%

Classified with v1.9 guidelines
ClinVar note: Converted during submission from no known pathogenicity to Benign.

CeGaT Center for Human Genetics Tuebingen
Classification: Benign. Last evaluated: 2026-07-01. Review status: criteria provided, single submitter. Criteria: CeGaT Center For Human Genetics Tuebingen Variant Classification Criteria Version 2. Collection method: clinical testing. Allele origin: germline. Affected: yes. Observed: 1 variant allele. Not counted in ClinVar's aggregate classification.
Comment: MSH6: BS1, BS2

Center for Genomic Medicine, Rigshospitalet, Copenhagen University Hospital
Classification: Likely benign. Last evaluated: 2025-03-04. Review status: criteria provided, single submitter. Criteria: ACMG Guidelines, 2015. Collection method: clinical testing. Allele origin: germline. Not counted in ClinVar's aggregate classification.

Quest Diagnostics Nichols Institute San Juan Capistrano
Classification: Benign. Last evaluated: 2023-05-16. Review status: criteria provided, single submitter. Criteria: Quest Diagnostics criteria. Collection method: clinical testing. Allele origin: unknown. Not counted in ClinVar's aggregate classification.

GeneDx
Classification: Benign. Last evaluated: 2019-08-13. Review status: criteria provided, single submitter. Criteria: GeneDx Variant Classification Process June 2021. Collection method: clinical testing. Allele origin: germline. Affected: yes. Not counted in ClinVar's aggregate classification.

Mendelics
Classification: Benign for Lynch syndrome 5. Last evaluated: 2019-05-28. Review status: criteria provided, single submitter. Criteria: Mendelics Assertion Criteria 2017. Collection method: clinical testing. Allele origin: unknown. Not counted in ClinVar's aggregate classification.

Literature cited by the submitters: PubMed 10786688 (cited by Quest Diagnostics Nichols Institute San Juan Capistrano).